The following is an entry in ClinVar:

NM_000368.5(TSC1):c.2166G>T (p.Lys722Asn)

Gene: TSC1 (TSC complex subunit 1; minus strand). Cytogenetic location: 9q34.13.
Variant type: single nucleotide variant.
Coding change: c.2166G>T on transcript NM_000368.5 (MANE Select); coding-DNA position 2166, G replaced by T.
Protein change: p.Lys722Asn; replaces lysine 722 with asparagine.
Molecular consequence: missense variant. On other transcripts: non-coding transcript variant (4).
Genome position (GRCh38, 1-based): chr9:132,903,693, C>A on the plus strand (G>T on the coding strand, the complement: TSC1 is on the minus strand). VCF-style: chr9-132903693-C-A. GRCh37 (hg19) VCF-style: chr9-135779080-C-A.
Other names: c.2163G>T, p.Lys721Asn (NM_001406599.1, NM_001162426.2, NM_001406600.1 and 4 more transcripts); c.2151G>T, p.Lys717Asn (NM_001406601.1, NM_001406602.1); c.2013G>T, p.Lys671Asn (NM_001406610.1, NM_001162427.2); c.2148G>T, p.Lys716Asn (NM_001406603.1, NM_001406604.1); c.2010G>T, p.Lys670Asn (NM_001406611.1, NM_001406612.1, NM_001406613.1); c.2166G>T, p.Lys722Asn (NM_001406605.1, NM_001406606.1, NM_001406607.1 and 5 more transcripts); c.1803G>T, p.Lys601Asn (NM_001406619.1, NM_001406614.1, NM_001406615.1 and 5 more transcripts); c.1800G>T, p.Lys600Asn (NM_001406623.1, NM_001406621.1, NM_001406622.1 and 2 more transcripts); and 3 more; short protein forms K670N, K671N, K716N, K717N, K721N, K722N, K371N, K404N.
Identifiers: ClinVar variation 3071604 (VCV003071604.1), dbSNP rs2538648261, ClinGen allele CA375360793.

ClinVar aggregate classification (germline): Uncertain significance (1 of 4 stars; one submission).

Conditions:
Tuberous sclerosis syndrome (TSC). Also called: Tuberous Sclerosis Complex; Tuberous sclerosis. Identifiers: Orphanet 805, MedGen C0041341, MONDO:0001734.

Submission:

All of Us Research Program, National Institutes of Health
Classification: Uncertain significance for Tuberous sclerosis syndrome. Last evaluated: 2023-06-08. Review status: criteria provided, single submitter. Criteria: ACMG Guidelines, 2015. Collection method: clinical testing. Allele origin: germline. Inheritance: Autosomal dominant inheritance. Observed: 1 variant allele, 1 heterozygote.
Comment: This missense variant replaces lysine with asparagine at codon 722 of the TSC1 protein. Computational prediction suggests that this variant may not impact protein structure and function (internally defined REVEL score threshold <= 0.5, PMID: 27666373). To our knowledge, functional studies have not been reported for this variant. This variant has not been reported in individuals affected with TSC1-related disorders in the literature. This variant has not been identified in the general population by the Genome Aggregation Database (gnomAD). The available evidence is insufficient to determine the role of this variant in disease conclusively. Therefore, this variant is classified as a Variant of Uncertain Significance.

This study involves interpretation of variants in research participants for the purpose of population health screening. Participant phenotype was not available at the time of variant classification. Additional details can be found in publication PMID: 35346344, PMCID: PMC8962531